The following is an entry in ClinVar:

NM_001843.4(CNTN1):c.1334A>T (p.Lys445Met)

Gene: CNTN1 (contactin 1; plus strand). Cytogenetic location: 12q12.
Variant type: single nucleotide variant.
Coding change: c.1334A>T on transcript NM_001843.4 (MANE Select); coding-DNA position 1334, A replaced by T.
Protein change: p.Lys445Met; replaces lysine 445 with methionine.
Molecular consequence: missense variant.
Genome position (GRCh38, 1-based): chr12:40,939,440, A>T. VCF-style: chr12-40939440-A-T. GRCh37 (hg19) VCF-style: chr12-41333242-A-T.
Other names: c.1334A>T, p.Lys445Met (NM_001256063.2, NM_001256064.2); c.1301A>T, p.Lys434Met (NM_175038.2); short protein forms K445M, K434M.
Identifiers: ClinVar variation 3668257 (VCV003668257.2).

ClinVar aggregate classification (germline): Uncertain significance (1 of 4 stars; one submission).

Conditions:
Compton-North congenital myopathy (CMYO12). Identifiers: Orphanet 210163, MedGen C2675527, MONDO:0012929, OMIM 612540.

gnomAD v4.1: 21 of 1,613,852 alleles (0.0013%); highest among the groups gnomAD compares: Admixed American, 0.0017%; no homozygotes.

Submission:

Labcorp Genetics (formerly Invitae), Labcorp
Classification: Uncertain significance for Compton-North congenital myopathy. Last evaluated: 2024-06-14. Review status: criteria provided, single submitter. Criteria: Invitae Variant Classification Sherloc (09022015). Collection method: clinical testing. Allele origin: germline.
Comment: This sequence change replaces lysine, which is basic and polar, with methionine, which is neutral and non-polar, at codon 445 of the CNTN1 protein (p.Lys445Met). This variant is present in population databases (rs147062727, gnomAD 0.004%). This variant has not been reported in the literature in individuals affected with CNTN1-related conditions. Advanced modeling of protein sequence and biophysical properties (such as structural, functional, and spatial information, amino acid conservation, physicochemical variation, residue mobility, and thermodynamic stability) performed at Invitae indicates that this missense variant is not expected to disrupt CNTN1 protein function with a negative predictive value of 95%. In summary, the available evidence is currently insufficient to determine the role of this variant in disease. Therefore, it has been classified as a Variant of Uncertain Significance.